The following is an entry in ClinVar:

ClinVar aggregate classification (germline): Likely benign. Review status: criteria provided, multiple submitters, no conflicts (2 of 4 stars). 3 submissions from 3 submitters: Likely benign (2). 1 of the submissions does not count toward it. Last evaluated 2025-12-21.

Conditions:
FAT1-related disorder. Also called: FAT1-related condition.
Inborn genetic diseases. Identifiers: MedGen C0950123, MeSH D030342.

Allele frequency attached by ClinVar (database versions not stated): gnomAD 0.00006 and 0.00011; TOPMed 0.00012; ExAC 0.00015; gnomAD exomes 0.00020; 1000 Genomes Project 0.00040; 1000 Genomes Project 30x 0.00047.
gnomAD v4.1: 133 of 1,613,906 alleles (0.0082%); highest among the groups gnomAD compares: East Asian, 0.17%; 2 homozygotes.

Submissions (3):

Labcorp Genetics (formerly Invitae), Labcorp
Classification: Likely benign. Last evaluated: 2025-12-21. Review status: criteria provided, single submitter. Criteria: Invitae Variant Classification Sherloc (09022015). Collection method: clinical testing. Allele origin: germline.

Ambry Genetics
Classification: Likely benign for Inborn genetic diseases. Last evaluated: 2025-06-06. Review status: criteria provided, single submitter. Criteria: Ambry Variant Classification Scheme 2023. Collection method: clinical testing. Allele origin: germline.

PreventionGenetics, part of Exact Sciences
Classification: Likely benign for FAT1-related condition. Last evaluated: 2022-12-21. Review status: no assertion criteria provided. Collection method: clinical testing. Allele origin: germline. Not counted in ClinVar's aggregate classification.
Comment: This variant is classified as likely benign based on ACMG/AMP sequence variant interpretation guidelines (Richards et al. 2015 PMID: 25741868, with internal and published modifications).

NM_005245.4(FAT1):c.755A>C (p.Glu252Ala)

Gene: FAT1 (FAT atypical cadherin 1; minus strand). Cytogenetic location: 4q35.2.
Variant type: single nucleotide variant.
Coding change: c.755A>C on transcript NM_005245.4 (MANE Select); coding-DNA position 755, A replaced by C.
Protein change: p.Glu252Ala; replaces glutamic acid 252 with alanine.
Molecular consequence: missense variant.
Genome position (GRCh38, 1-based): chr4:186,709,073, T>G on the plus strand (A>C on the coding strand, the complement: FAT1 is on the minus strand). VCF-style: chr4-186709073-T-G. GRCh37 (hg19) VCF-style: chr4-187630227-T-G.
Other names: c.755A>C (NM_005245.3); short protein forms E252A.
Identifiers: ClinVar variation 1621645 (VCV001621645.12), dbSNP rs148204168, ClinGen allele CA3167606.